The following is an entry in ClinVar:

ClinVar aggregate classification (germline): Uncertain significance (1 of 4 stars; one submission).

Conditions:
Osteogenesis imperfecta type I (OI1). Also called: Lobstein's Disease; Lobstein disease; OI, TYPE I; OSTEOGENESIS IMPERFECTA TARDA; OSTEOGENESIS IMPERFECTA WITH BLUE SCLERAE; Osteogenesis imperfecta type 1. Identifiers: Orphanet 216796, Orphanet 666, MedGen C0023931, MONDO:0008146, OMIM 166200. Disease mechanism: loss of function.

gnomAD v4.1: 9 of 1,613,150 alleles (0.00056%); highest among the groups gnomAD compares: African/African-American, 0.0013%; no homozygotes.

Submission:

Labcorp Genetics (formerly Invitae), Labcorp
Classification: Uncertain significance for Osteogenesis imperfecta type I. Last evaluated: 2024-05-29. Review status: criteria provided, single submitter. Criteria: Invitae Variant Classification Sherloc (09022015). Collection method: clinical testing. Allele origin: germline.
Comment: This sequence change falls in intron 6 of the COL1A1 gene. It does not directly change the encoded amino acid sequence of the COL1A1 protein. It affects a nucleotide within the consensus splice site. This variant is not present in population databases (gnomAD no frequency). This variant has not been reported in the literature in individuals affected with COL1A1-related conditions. Variants that disrupt the consensus splice site are a relatively common cause of aberrant splicing (PMID: 17576681, 9536098). Algorithms developed to predict the effect of sequence changes on RNA splicing suggest that this variant is not likely to affect RNA splicing. In summary, the available evidence is currently insufficient to determine the role of this variant in disease. Therefore, it has been classified as a Variant of Uncertain Significance.

Literature cited by the submitters: PubMed 17576681; PubMed 9536098.

NM_000088.4(COL1A1):c.543+3G>A

Gene: COL1A1 (collagen type I alpha 1 chain; minus strand). Cytogenetic location: 17q21.33.
Variant type: single nucleotide variant.
Coding change: c.543+3G>A on transcript NM_000088.4 (MANE Select); 3 bases into the intron after coding-DNA position 543, G replaced by A.
Molecular consequence: intron variant.
Genome position (GRCh38, 1-based): chr17:50,198,430, C>T on the plus strand (G>A on the coding strand, the complement: COL1A1 is on the minus strand). VCF-style: chr17-50198430-C-T. GRCh37 (hg19) VCF-style: chr17-48275791-C-T.
Identifiers: ClinVar variation 3707698 (VCV003707698.2).